The following is an entry in ClinVar:

ClinVar aggregate classification (germline): Uncertain significance (1 of 4 stars; one submission).

Conditions:
Inborn genetic diseases. Identifiers: MedGen C0950123, MeSH D030342.

Allele frequency attached by ClinVar (database versions not stated): gnomAD exomes below 0.00001.

Submission:

Ambry Genetics
Classification: Uncertain significance for Inborn genetic diseases. Last evaluated: 2025-07-03. Review status: criteria provided, single submitter. Criteria: Ambry Variant Classification Scheme 2023. Collection method: clinical testing. Allele origin: germline.
Comment: The p.W515C variant (also known as c.1545G>T), located in coding exon 12 of the BUB1B gene, results from a G to T substitution at nucleotide position 1545. The tryptophan at codon 515 is replaced by cysteine, an amino acid with highly dissimilar properties. This amino acid position is conserved. In addition, this alteration is predicted to be tolerated by in silico analysis. Since supporting evidence is limited at this time, the clinical significance of this alteration remains unclear.

NM_001211.6(BUB1B):c.1545G>T (p.Trp515Cys)

Gene: BUB1B (BUB1 mitotic checkpoint serine/threonine kinase B; plus strand). Cytogenetic location: 15q15.1.
Variant type: single nucleotide variant.
Coding change: c.1545G>T on transcript NM_001211.6 (MANE Select); coding-DNA position 1545, G replaced by T.
Protein change: p.Trp515Cys; replaces tryptophan 515 with cysteine.
Molecular consequence: missense variant.
Genome position (GRCh38, 1-based): chr15:40,200,958, G>T. VCF-style: chr15-40200958-G-T. GRCh37 (hg19) VCF-style: chr15-40493159-G-T.
Other names: short protein forms W515C.
Identifiers: ClinVar variation 2450813 (VCV002450813.3), dbSNP rs2542557144, ClinGen allele CA391690756.